The following is an entry in ClinVar:

NM_000053.4(ATP7B):c.465delinsTCCTGTGCA (p.Gln155fs)

Gene: ATP7B (ATPase copper transporting beta; minus strand). Cytogenetic location: 13q14.3.
Variant type: Indel.
Coding change: c.465delinsTCCTGTGCA on transcript NM_000053.4 (MANE Select); coding-DNA position 465, G replaced by TCCTGTGCA.
Protein change: p.Gln155fs; shifts the reading frame from glutamine 155.
Molecular consequence: frameshift variant.
Genome position (GRCh38, 1-based): chr13:51,974,755, C replaced by TGCACAGGA on the plus strand (G replaced by TCCTGTGCA on the coding strand, the reverse complement: ATP7B is on the minus strand). VCF-style: chr13-51974755-C-TGCACAGGA. GRCh37 (hg19) VCF-style: chr13-52548891-C-TGCACAGGA.
Other names: c.465delinsTCCTGTGCA, p.Gln155fs (NM_001005918.3, NM_001243182.2, NM_001330578.2 and 30 more transcripts); c.369delinsTCCTGTGCA, p.Gln123fs (NM_001406517.1, NM_001406518.1, NM_001406539.1 and 4 more transcripts); short protein forms Q123fs, Q155fs.
Identifiers: ClinVar variation 4775746 (VCV004775746.1).

ClinVar aggregate classification (germline): Pathogenic (1 of 4 stars; one submission).

Conditions:
Wilson disease (WND). Also called: Wilson's disease. Identifiers: Orphanet 905, MedGen C0019202, MONDO:0010200, OMIM 277900. Disease mechanism: loss of function.

Submission:

Labcorp Genetics (formerly Invitae), Labcorp
Classification: Pathogenic for Wilson disease. Last evaluated: 2020-05-10. Review status: criteria provided, single submitter. Criteria: Invitae Variant Classification Sherloc (09022015). Collection method: clinical testing. Allele origin: germline.
Comment: This variant has not been reported in the literature in individuals with ATP7B-related conditions. Loss-of-function variants in ATP7B are known to be pathogenic (PMID: 10441329, 16283883). For these reasons, this variant has been classified as Pathogenic. This variant is not present in population databases (ExAC no frequency). This sequence change creates a premature translational stop signal (p.Gln155Hisfs*20) in the ATP7B gene. It is expected to result in an absent or disrupted protein product.

Literature cited by the submitters: PubMed 10441329; PubMed 16283883.